The following is an entry in ClinVar:

NM_001127178.3(PIGG):c.2209del (p.Ala737fs)

Gene: PIGG (phosphatidylinositol glycan anchor biosynthesis class G (EMM blood group); plus strand). Cytogenetic location: 4p16.3.
Variant type: Deletion.
Coding change: c.2209del on transcript NM_001127178.3 (MANE Select); coding-DNA position 2209, one base deleted (G; older notation c.2209delG).
Protein change: p.Ala737fs; shifts the reading frame from alanine 737.
Molecular consequence: frameshift variant. On other transcripts: non-coding transcript variant (10).
Genome position (GRCh38, 1-based): chr4:527,178, G deleted; the last of 2 consecutive G bases (chr4:527,177-527,178); deleting either gives the same sequence. VCF-style (leftmost placement, unchanged base first): chr4-527176-CG-C. GRCh37 (hg19) VCF-style: chr4-520965-CG-C.
Other names: c.1942del, p.Ala648fs (NM_001289051.2, NM_001345986.2); c.1810del, p.Ala604fs (NM_001289052.2); c.1918del, p.Ala640fs (NM_001345987.2); c.1180del, p.Ala394fs (NM_001345988.2); c.676del, p.Ala226fs (NM_001345990.2, NM_001345991.2); c.1111del, p.Ala371fs (NM_001345994.2); c.2185del, p.Ala729fs (NM_017733.5); short protein forms A226fs, A371fs, A394fs, A604fs, A640fs, A648fs, A729fs, A737fs.
Identifiers: ClinVar variation 1324904 (VCV001324904.9), dbSNP rs2108995799, ClinGen allele CA2573052332.

ClinVar aggregate classification (germline): Pathogenic/Likely pathogenic. Review status: criteria provided, multiple submitters, no conflicts (2 of 4 stars). 2 submissions from 2 submitters: Pathogenic (1); Likely pathogenic (1). Last evaluated 2021-06-16.

Conditions:
Intellectual disability, autosomal recessive 53 (NEDHSCA). Also called: NEURODEVELOPMENTAL DISORDER WITH OR WITHOUT HYPOTONIA, SEIZURES, AND CEREBELLAR ATROPHY; GLYCOSYLPHOSPHATIDYLINOSITOL BIOSYNTHESIS DEFECT 13; Mental retardation, autosomal recessive 53. Identifiers: Orphanet 488635, MedGen C4310794, MONDO:0014832, OMIM 616917.

Submissions (2):

Labcorp Genetics (formerly Invitae), Labcorp
Classification: Pathogenic for Intellectual disability, autosomal recessive 53. Last evaluated: 2021-06-16. Review status: criteria provided, single submitter. Criteria: Invitae Variant Classification Sherloc (09022015). Collection method: clinical testing. Allele origin: germline.
Comment: This sequence change creates a premature translational stop signal (p.Ala737Profs*56) in the PIGG gene. It is expected to result in an absent or disrupted protein product. Loss-of-function variants in PIGG are known to be pathogenic (PMID: 26996948, 28581210, 28771251). This variant has not been reported in the literature in individuals with PIGG-related conditions. This variant is not present in population databases (ExAC no frequency). For these reasons, this variant has been classified as Pathogenic.

Revvity Omics, Revvity
Classification: Likely pathogenic. Last evaluated: 2020-08-29. Review status: criteria provided, single submitter. Criteria: ACMG Guidelines, 2015. Collection method: clinical testing. Allele origin: germline.

Literature cited by the submitters: PubMed 26996948 (cited by Labcorp Genetics (formerly Invitae), Labcorp); PubMed 28581210 (cited by Labcorp Genetics (formerly Invitae), Labcorp); PubMed 28771251 (cited by Labcorp Genetics (formerly Invitae), Labcorp).